The following is an entry in ClinVar:

ClinVar aggregate classification (germline): Uncertain significance (0 of 4 stars; one submission).

Conditions:
IFT74-related disorder. Also called: IFT74-related condition; IFT74-Related Disorders.

Submission:

PreventionGenetics, part of Exact Sciences
Classification: Uncertain significance for IFT74-related condition. Last evaluated: 2024-03-18. Review status: no assertion criteria provided. Collection method: clinical testing. Allele origin: germline.
Comment: The IFT74 c.1508A>C variant is predicted to result in the amino acid substitution p.Gln503Pro. To our knowledge, this variant has not been reported in the literature or in a large population database, indicating this variant is rare. At this time, the clinical significance of this variant is uncertain due to the absence of conclusive functional and genetic evidence.

NM_025103.4(IFT74):c.1508A>C (p.Gln503Pro)

Gene: IFT74 (intraflagellar transport 74; plus strand). Cytogenetic location: 9p21.2.
Variant type: single nucleotide variant.
Coding change: c.1508A>C on transcript NM_025103.4 (MANE Select); coding-DNA position 1508, A replaced by C.
Protein change: p.Gln503Pro; replaces glutamine 503 with proline.
Molecular consequence: missense variant.
Genome position (GRCh38, 1-based): chr9:27,056,344, A>C. VCF-style: chr9-27056344-A-C. GRCh37 (hg19) VCF-style: chr9-27056342-A-C.
Other names: c.1508A>C, p.Gln503Pro (NM_001099222.3, NM_001099223.3, NM_001349928.2); short protein forms Q503P.
Identifiers: ClinVar variation 3349368 (VCV003349368.1).